The following is an entry in ClinVar:

NM_000465.4(BARD1):c.2297G>A (p.Cys766Tyr)

Gene: BARD1 (BRCA1 associated RING domain 1; minus strand). Cytogenetic location: 2q35.
Variant type: single nucleotide variant.
Coding change: c.2297G>A on transcript NM_000465.4 (MANE Select); coding-DNA position 2297, G replaced by A.
Protein change: p.Cys766Tyr; replaces cysteine 766 with tyrosine.
Molecular consequence: missense variant. On other transcripts: non-coding transcript variant (3).
Genome position (GRCh38, 1-based): chr2:214,728,713, C>T on the plus strand (G>A on the coding strand, the complement: BARD1 is on the minus strand). VCF-style: chr2-214728713-C-T. GRCh37 (hg19) VCF-style: chr2-215593437-C-T.
Other names: c.2240G>A, p.Cys747Tyr (NM_001282543.2); c.944G>A, p.Cys315Tyr (NM_001282545.2); c.887G>A, p.Cys296Tyr (NM_001282548.2); c.758G>A, p.Cys253Tyr (NM_001282549.2); c.2297G>A (NM_000465.2); short protein forms C253Y, C296Y, C315Y, C747Y, C766Y.
Identifiers: ClinVar variation 1010066 (VCV001010066.12), dbSNP rs1692192234, ClinGen allele CA350449822.

ClinVar aggregate classification (germline): Uncertain significance. Review status: criteria provided, multiple submitters, no conflicts (2 of 4 stars). 2 submissions from 2 submitters: Uncertain significance (2). Last evaluated 2024-06-13.

Conditions:
Hereditary cancer-predisposing syndrome. Also called: Tumor predisposition; Hereditary neoplastic syndrome; Neoplastic Syndromes, Hereditary; Hereditary Cancer Syndrome. Identifiers: Orphanet 140162, MedGen C0027672, MeSH D009386, MONDO:0015356.
Familial cancer of breast. Also called: BREAST CANCER, FAMILIAL; Hereditary breast cancer; hereditary breast carcinoma. Identifiers: Orphanet 227535, MedGen C0346153, MONDO:0016419, OMIM 114480. Disease mechanism: loss of function.

Allele frequency attached by ClinVar (database versions not stated): gnomAD exomes below 0.00001.
gnomAD v4.1: 1 of 1,614,202 alleles (0.000062%); highest among the groups gnomAD compares: Non-Finnish European, 0.000085%; no homozygotes.

Submissions (2):

Labcorp Genetics (formerly Invitae), Labcorp
Classification: Uncertain significance for Familial cancer of breast. Last evaluated: 2024-06-13. Review status: criteria provided, single submitter. Criteria: Invitae Variant Classification Sherloc (09022015). Collection method: clinical testing. Allele origin: germline.
Comment: This sequence change replaces cysteine, which is neutral and slightly polar, with tyrosine, which is neutral and polar, at codon 766 of the BARD1 protein (p.Cys766Tyr). This variant is not present in population databases (gnomAD no frequency). This variant has not been reported in the literature in individuals affected with BARD1-related conditions. ClinVar contains an entry for this variant (Variation ID: 1010066). An algorithm developed to predict the effect of missense changes on protein structure and function (PolyPhen-2) suggests that this variant is likely to be disruptive. In summary, the available evidence is currently insufficient to determine the role of this variant in disease. Therefore, it has been classified as a Variant of Uncertain Significance.

Ambry Genetics
Classification: Uncertain significance for Hereditary cancer-predisposing syndrome. Last evaluated: 2022-12-25. Review status: criteria provided, single submitter. Criteria: Ambry Variant Classification Scheme 2023. Collection method: clinical testing. Allele origin: germline.
Comment: The p.C766Y variant (also known as c.2297G>A), located in coding exon 11 of the BARD1 gene, results from a G to A substitution at nucleotide position 2297. The cysteine at codon 766 is replaced by tyrosine, an amino acid with highly dissimilar properties. This amino acid position is conserved. In addition, the in silico prediction for this alteration is inconclusive. Since supporting evidence is limited at this time, the clinical significance of this alteration remains unclear.